The following is an entry in ClinVar:

NM_000051.4(ATM):c.1196A>G (p.His399Arg)

Gene: ATM (ATM serine/threonine kinase; plus strand). Cytogenetic location: 11q22.3.
Variant type: single nucleotide variant.
Coding change: c.1196A>G on transcript NM_000051.4 (MANE Select); coding-DNA position 1196, A replaced by G.
Protein change: p.His399Arg; replaces histidine 399 with arginine.
Molecular consequence: missense variant.
Genome position (GRCh38, 1-based): chr11:108,249,063, A>G. VCF-style: chr11-108249063-A-G. GRCh37 (hg19) VCF-style: chr11-108119790-A-G.
Other names: c.1196A>G, p.His399Arg (NM_001351834.2); short protein forms H399R.
Identifiers: ClinVar variation 629324 (VCV000629324.8), dbSNP rs1565379486, ClinGen allele CA382532584.

ClinVar aggregate classification (germline): Uncertain significance. Review status: criteria provided, multiple submitters, no conflicts (2 of 4 stars). 3 submissions from 3 submitters: Uncertain significance (3). Last evaluated 2025-07-09.

Conditions:
Ataxia-telangiectasia syndrome (AT). Also called: ATAXIA-TELANGIECTASIA, COMPLEMENTATION GROUP A; ATAXIA-TELANGIECTASIA, FRESNO VARIANT; LOUIS-BAR SYNDROME; Ataxia telangiectasia (A-T); Cerebello-oculocutaneous telangiectasia; Immunodeficiency with ataxia telangiectasia. Identifiers: Orphanet 100, MedGen C0004135, MONDO:0008840, OMIM 208900.
Hereditary cancer-predisposing syndrome. Also called: Tumor predisposition; Neoplastic Syndromes, Hereditary; Hereditary Cancer Syndrome; Hereditary neoplastic syndrome. Identifiers: Orphanet 140162, MedGen C0027672, MeSH D009386, MONDO:0015356.

Submissions (3):

Labcorp Genetics (formerly Invitae), Labcorp
Classification: Uncertain significance for Ataxia-telangiectasia syndrome. Last evaluated: 2025-07-09. Review status: criteria provided, single submitter. Criteria: Invitae Variant Classification Sherloc (09022015). Collection method: clinical testing. Allele origin: germline.
Comment: This sequence change replaces histidine, which is basic and polar, with arginine, which is basic and polar, at codon 399 of the ATM protein (p.His399Arg). This variant is not present in population databases (gnomAD no frequency). This variant has not been reported in the literature in individuals affected with ATM-related conditions. ClinVar contains an entry for this variant (Variation ID: 629324). Invitae Evidence Modeling of protein sequence and biophysical properties (such as structural, functional, and spatial information, amino acid conservation, physicochemical variation, residue mobility, and thermodynamic stability) indicates that this missense variant is not expected to disrupt ATM protein function with a negative predictive value of 95%. In summary, the available evidence is currently insufficient to determine the role of this variant in disease. Therefore, it has been classified as a Variant of Uncertain Significance.

Color Diagnostics, LLC DBA Color Health
Classification: Uncertain significance for Hereditary cancer-predisposing syndrome. Last evaluated: 2023-12-05. Review status: criteria provided, single submitter. Criteria: ACMG Guidelines, 2015. Collection method: clinical testing. Allele origin: germline.
Comment: This missense variant replaces histidine with arginine at codon 399 of the ATM protein. Computational prediction suggests that this variant may not impact protein structure and function (internally defined REVEL score threshold <= 0.5, PMID: 27666373). To our knowledge, functional studies have not been reported for this variant. This variant has not been reported in individuals affected with ATM-related disorders in the literature. This variant has not been identified in the general population by the Genome Aggregation Database (gnomAD). The available evidence is insufficient to determine the role of this variant in disease conclusively. Therefore, this variant is classified as a Variant of Uncertain Significance.

Ambry Genetics
Classification: Uncertain significance for Hereditary cancer-predisposing syndrome. Last evaluated: 2022-07-01. Review status: criteria provided, single submitter. Criteria: Ambry Variant Classification Scheme 2023. Collection method: clinical testing. Allele origin: germline.
Comment: The p.H399R variant (also known as c.1196A>G), located in coding exon 8 of the ATM gene, results from an A to G substitution at nucleotide position 1196. The histidine at codon 399 is replaced by arginine, an amino acid with highly similar properties. This amino acid position is not well conserved in available vertebrate species. In addition, this alteration is predicted to be tolerated by in silico analysis. Since supporting evidence is limited at this time, the clinical significance of this alteration remains unclear.